The following is an entry in ClinVar:

NM_006236.3(POU3F3):c.123_125dup (p.Gly43_Ala44insGly)

Gene: POU3F3 (POU class 3 homeobox 3; plus strand). Cytogenetic location: 2q12.1.
Variant type: Duplication.
Coding change: c.123_125dup on transcript NM_006236.3 (MANE Select); coding-DNA positions 123 to 125, 3 bases duplicated (GGG; older notation c.123_125dupGGG).
Protein change: p.Gly43_Ala44insGly.
Molecular consequence: inframe insertion.
Genome position (GRCh38, 1-based): chr2:104,855,633-104,855,635, GGG duplicated; duplicating any 3 consecutive bases within chr2:104,855,631-104,855,635 gives the same sequence; the c. name uses the placement nearest the transcript's 3' end. VCF-style (leftmost placement, unchanged base first): chr2-104855630-C-CGGG. GRCh37 (hg19) VCF-style: chr2-105472088-C-CGGG.
Identifiers: ClinVar variation 2591665 (VCV002591665.26), dbSNP rs1303053833, ClinGen allele CA535103175.

ClinVar aggregate classification (germline): Benign. Review status: criteria provided, multiple submitters, no conflicts (2 of 4 stars). 2 submissions from 2 submitters: Benign (2). Last evaluated 2026-02-01.

Conditions:
Inborn genetic diseases. Identifiers: MedGen C0950123, MeSH D030342.

Submissions (2):

CeGaT Center for Human Genetics Tuebingen
Classification: Benign. Last evaluated: 2026-02-01. Review status: criteria provided, single submitter. Criteria: CeGaT Center For Human Genetics Tuebingen Variant Classification Criteria Version 2. Collection method: clinical testing. Allele origin: germline. Affected: yes. Observed: 3 variant alleles.
Comment: POU3F3: BS1, BS2

Ambry Genetics
Classification: Benign for Inborn genetic diseases. Last evaluated: 2023-08-17. Review status: criteria provided, single submitter. Criteria: Ambry Variant Classification Scheme 2023. Collection method: clinical testing. Allele origin: germline.